The following is an entry in ClinVar:

NM_000081.4(LYST):c.1912A>G (p.Asn638Asp)

Gene: LYST (lysosomal trafficking regulator; minus strand). Cytogenetic location: 1q42.3.
Variant type: single nucleotide variant.
Coding change: c.1912A>G on transcript NM_000081.4 (MANE Select); coding-DNA position 1912, A replaced by G.
Protein change: p.Asn638Asp; replaces asparagine 638 with aspartic acid.
Molecular consequence: missense variant.
Genome position (GRCh38, 1-based): chr1:235,808,906, T>C on the plus strand (A>G on the coding strand, the complement: LYST is on the minus strand). VCF-style: chr1-235808906-T-C. GRCh37 (hg19) VCF-style: chr1-235972206-T-C.
Other names: c.1912A>G, p.Asn638Asp (NM_001301365.1); short protein forms N638D.
Identifiers: ClinVar variation 1965638 (VCV001965638.5), dbSNP rs2527108152, ClinGen allele CA344961367.
Genomic context (GRCh38, chr1:235,808,906, plus strand): 5'-AGTTTCCCTGCAGTGTCTCTTCTAATTGGGCTAGTTGGTCAGAGTCAACAGTACAAATAT[T>C]ACAAGCTGCTTTTTTAATTTTTGGTGATATCTCTGCTCCTCCTAACTGATCCAAAATAAG-3'
Protein context (NP_000072.2, residues 628-648): ISPKIKKAAC[Asn638Asp]ICTVDSDQLA

ClinVar aggregate classification (germline): Uncertain significance (1 of 4 stars; one submission).

Conditions:
Chédiak-Higashi syndrome (CHS). Also called: Chediak-Higashi Syndrome. Identifiers: Orphanet 167, MedGen C0007965, MONDO:0008963, OMIM 214500.

Submission:

Labcorp Genetics (formerly Invitae), Labcorp
Classification: Uncertain significance for Chédiak-Higashi syndrome. Last evaluated: 2022-07-12. Review status: criteria provided, single submitter. Criteria: Invitae Variant Classification Sherloc (09022015). Collection method: clinical testing. Allele origin: germline.
Comment: In summary, the available evidence is currently insufficient to determine the role of this variant in disease. Therefore, it has been classified as a Variant of Uncertain Significance. Algorithms developed to predict the effect of missense changes on protein structure and function (SIFT, PolyPhen-2, Align-GVGD) all suggest that this variant is likely to be tolerated. This variant has not been reported in the literature in individuals affected with LYST-related conditions. This variant is not present in population databases (gnomAD no frequency). This sequence change replaces asparagine, which is neutral and polar, with aspartic acid, which is acidic and polar, at codon 638 of the LYST protein (p.Asn638Asp).